The following is an entry in ClinVar:

NM_000136.3(FANCC):c.-8T>C

Gene: FANCC (FA complementation group C; minus strand). Cytogenetic location: 9q22.32.
Variant type: single nucleotide variant.
Coding change: c.-8T>C on transcript NM_000136.3 (MANE Select); 8 bases upstream of the start codon, T replaced by C.
Molecular consequence: 5 prime UTR variant.
Genome position (GRCh38, 1-based): chr9:95,249,299, A>G on the plus strand (T>C on the coding strand, the complement: FANCC is on the minus strand). VCF-style: chr9-95249299-A-G. GRCh37 (hg19) VCF-style: chr9-98011581-A-G.
Other names: c.-8T>C (NM_001243743.2, NM_001243744.2).
Identifiers: ClinVar variation 2867147 (VCV002867147.2), dbSNP rs1831185846, ClinGen allele CA1865515567.

ClinVar aggregate classification (germline): Uncertain significance (1 of 4 stars; one submission).

Conditions:
Fanconi anemia (FA). Also called: Fanconi's anemia. Identifiers: Orphanet 84, MedGen C0015625, MeSH D005199, MONDO:0019391.

Submission:

Labcorp Genetics (formerly Invitae), Labcorp
Classification: Uncertain significance for Fanconi anemia. Last evaluated: 2023-05-27. Review status: criteria provided, single submitter. Criteria: Invitae Variant Classification Sherloc (09022015). Collection method: clinical testing. Allele origin: germline.
Comment: This variant is not present in population databases (gnomAD no frequency). In summary, the available evidence is currently insufficient to determine the role of this variant in disease. Therefore, it has been classified as a Variant of Uncertain Significance. This variant has not been reported in the literature in individuals affected with FANCC-related conditions. This variant occurs in a non-coding region of the FANCC gene. It does not change the encoded amino acid sequence of the FANCC protein.